The following is an entry in ClinVar:

NM_002294.3(LAMP2):c.156A>T (p.Val52=)

Gene: LAMP2 (lysosome associated membrane protein 2; minus strand). Cytogenetic location: Xq24.
Variant type: single nucleotide variant.
Coding change: c.156A>T on transcript NM_002294.3 (MANE Select); coding-DNA position 156, A replaced by T.
Protein change: p.Val52=; no amino-acid change (valine 52 retained).
Molecular consequence: synonymous variant.
Genome position (GRCh38, 1-based): chrX:120,456,678, T>A on the plus strand (A>T on the coding strand, the complement: LAMP2 is on the minus strand). VCF-style: chrX-120456678-T-A. GRCh37 (hg19) VCF-style: chrX-119590533-T-A.
Other names: p.V52V:GTA>GTT; c.156A>T, p.Val52= (NM_001122606.1, NM_013995.2).
Identifiers: ClinVar variation 44416 (VCV000044416.37), dbSNP rs12097, ClinGen allele CA134064.
Genomic context (GRCh38, chrX:120,456,678, plus strand): 5'-AAAACTCAAAGAAAAATTAAAATATATACTTACATAAGTTTTATTTGTAGTTTCATAGCG[T>A]ACTGTGAAATTCATCTGCCATTTTGCATAAAGGCAAGTGGCATTTTCTGAATCTGTCAAA-3'
Protein context (NP_002285.1, residues 42-62): LYAKWQMNFT[Val52=]RYETTNKTYK

ClinVar aggregate classification (germline): Benign/Likely benign. Review status: criteria provided, multiple submitters, no conflicts (2 of 4 stars). 15 submissions from 15 submitters: Benign (10); Likely benign (1). 4 of the submissions do not count toward it. Last evaluated 2026-02-04.

Conditions:
Cardiovascular phenotype. Identifiers: MedGen CN230736.
Danon disease. Also called: ANTOPOL DISEASE; Glycogen Storage Disease Type IIb; PSEUDOGLYCOGENOSIS II; GSD IIb; LYSOSOMAL GLYCOGEN STORAGE DISEASE WITHOUT ACID MALTASE DEFICIENCY. Identifiers: Orphanet 34587, MedGen C0878677, MONDO:0010281, OMIM 300257.
Hypertrophic cardiomyopathy. Also called: HYPERTROPHIC MYOCARDIOPATHY. Identifiers: Orphanet 217569, MedGen C0007194, MeSH D002312, MONDO:0005045, HP:0001639.

Allele frequency attached by ClinVar (database versions not stated): 1000 Genomes Project 0.38093; 1000 Genomes Project 30x 0.38169; TOPMed 0.38625; gnomAD exomes 0.38972; gnomAD 0.39300 and 0.39324; ESP Exome Variant Server 0.39856; ExAC 0.42800.

Submissions (15):

Labcorp Genetics (formerly Invitae), Labcorp
Classification: Benign for Danon disease. Last evaluated: 2026-02-04. Review status: criteria provided, single submitter. Criteria: Invitae Variant Classification Sherloc (09022015). Collection method: clinical testing. Allele origin: germline.

Molecular Diagnostic Laboratory for Inherited Cardiovascular Disease, Montreal Heart Institute
Classification: Benign. Last evaluated: 2025-04-09. Review status: criteria provided, single submitter. Criteria: ACMG Guidelines, 2015. Collection method: clinical testing. Allele origin: germline. Affected: no.

Blueprint Genetics
Classification: Benign. Last evaluated: 2024-11-28. Review status: criteria provided, single submitter. Criteria: ACMG Guidelines, 2015. Collection method: clinical testing. Allele origin: germline.

Genome-Nilou Lab
Classification: Benign for Danon disease. Last evaluated: 2021-08-19. Review status: criteria provided, single submitter. Criteria: ACMG Guidelines, 2015. Collection method: clinical testing. Allele origin: germline. Affected: no.

Illumina Laboratory Services, Illumina
Classification: Benign for Danon disease. Last evaluated: 2018-01-12. Review status: criteria provided, single submitter. Criteria: ICSL Variant Classification Criteria 13 December 2019. Collection method: clinical testing. Allele origin: germline.
Comment: This variant was observed in the ICSL laboratory as part of a predisposition screen in an ostensibly healthy population. It had not been previously curated by ICSL or reported in the Human Gene Mutation Database (HGMD: prior to June 1st, 2018), and was therefore a candidate for classification through an automated scoring system. Utilizing variant allele frequency, disease prevalence and penetrance estimates, and inheritance mode, an automated score was calculated to assess if this variant is too frequent to cause the disease. Based on the score and internal cut-off values, a variant classified as benign is not then subjected to further curation. The score for this variant resulted in a classification of benign for this disease.

Eurofins Ntd Llc (ga)
Classification: Benign. Last evaluated: 2016-01-08. Review status: criteria provided, single submitter. Criteria: EGL Classification Definitions 2015. Collection method: clinical testing. Allele origin: germline. Observed: 33 variant alleles, 4 heterozygotes, 4 homozygotes, 25 hemizygotes.

Ambry Genetics
Classification: Benign for Cardiovascular phenotype. Last evaluated: 2014-11-24. Review status: criteria provided, single submitter. Criteria: Ambry Variant Classification Scheme 2023. Collection method: clinical testing. Allele origin: germline.

GeneDx
Classification: Benign. Last evaluated: 2012-09-25. Review status: criteria provided, single submitter. Criteria: GeneDx Variant Classification (06012015). Collection method: clinical testing. Allele origin: germline. Affected: yes.
Comment: This variant is considered likely benign or benign based on one or more of the following criteria: it is a conservative change, it occurs at a poorly conserved position in the protein, it is predicted to be benign by multiple in silico algorithms, and/or has population frequency not consistent with disease.

Laboratory for Molecular Medicine, Mass General Brigham Personalized Medicine
Classification: Benign. Last evaluated: 2006-10-28. Review status: criteria provided, single submitter. Criteria: LMM Criteria. Collection method: clinical testing. Allele origin: germline. Observed: 2,165 variant alleles.

Breakthrough Genomics
Classification: Likely benign. Review status: criteria provided, single submitter. Criteria: ACMG Guidelines, 2015. Collection method: not provided. Allele origin: germline. Inheritance: X-linked inheritance. Affected: yes.

PreventionGenetics, part of Exact Sciences
Classification: Benign. Review status: criteria provided, single submitter. Criteria: ACMG Guidelines, 2015. Collection method: clinical testing. Allele origin: germline.

Cohesion Phenomics
Classification: Benign for Hypertrophic cardiomyopathy. Last evaluated: 2022-10-10. Review status: no assertion criteria provided. Criteria: ACMG Guidelines, 2015. Collection method: clinical testing. Allele origin: germline. Affected: yes. Not counted in ClinVar's aggregate classification.

Mayo Clinic Laboratories, Mayo Clinic
Classification: Benign. Last evaluated: 2015-10-20. Review status: no assertion criteria provided. Collection method: clinical testing. Allele origin: unknown. Not counted in ClinVar's aggregate classification.

Clinical Genetics DNA and cytogenetics Diagnostics Lab, Erasmus MC, Erasmus Medical Center
Classification: Benign. Review status: no assertion criteria provided. Collection method: clinical testing. Allele origin: germline. Affected: yes. Study: VKGL Data-share Consensus. Not counted in ClinVar's aggregate classification.

Clinical Genetics, Academic Medical Center
Classification: Benign. Review status: no assertion criteria provided. Collection method: clinical testing. Allele origin: germline. Affected: yes. Study: VKGL Data-share Consensus. Not counted in ClinVar's aggregate classification.